The following is an entry in ClinVar:

NM_004364.5(CEBPA):c.399C>G (p.Cys133Trp)

Gene: CEBPA (CCAAT enhancer binding protein alpha; minus strand). Cytogenetic location: 19q13.11.
Variant type: single nucleotide variant.
Coding change: c.399C>G on transcript NM_004364.5 (MANE Select); coding-DNA position 399, C replaced by G.
Protein change: p.Cys133Trp; replaces cysteine 133 with tryptophan.
Molecular consequence: missense variant.
Genome position (GRCh38, 1-based): chr19:33,302,016, G>C on the plus strand (C>G on the coding strand, the complement: CEBPA is on the minus strand). VCF-style: chr19-33302016-G-C. GRCh37 (hg19) VCF-style: chr19-33792922-G-C.
Other names: c.42C>G, p.Cys14Trp (NM_001285829.2); c.504C>G, p.Cys168Trp (NM_001287424.2); c.357C>G, p.Cys119Trp (NM_001287435.2); short protein forms C119W, C133W, C14W, C168W.
Identifiers: ClinVar variation 5034309 (VCV005034309.1).

ClinVar aggregate classification (germline): Uncertain significance (1 of 4 stars; one submission).

Conditions:
Inborn genetic diseases. Identifiers: MedGen C0950123, MeSH D030342.

Submission:

Ambry Genetics
Classification: Uncertain significance for Inborn genetic diseases. Last evaluated: 2026-08-18. Review status: criteria provided, single submitter. Criteria: Ambry Variant Classification Scheme 2023. Collection method: clinical testing. Allele origin: germline.
Comment: The p.C133W variant (also known as c.399C>G), located in coding exon 1 of the CEBPA gene, results from a C to G substitution at nucleotide position 399. The cysteine at codon 133 is replaced by tryptophan, an amino acid with highly dissimilar properties. This amino acid position is conserved. In addition, this alteration is predicted to be tolerated by in silico analysis. Based on the available evidence, the clinical significance of this variant remains unclear.